The following is an entry in ClinVar:

ClinVar aggregate classification (germline): Benign/Likely benign. Review status: criteria provided, multiple submitters, no conflicts (2 of 4 stars). 4 submissions from 4 submitters: Benign (1); Likely benign (3). Last evaluated 2025-11-03.

Conditions:
Kabuki syndrome 1 (KABUK1). Also called: KMT2D-Related Kabuki Syndrome. Identifiers: Orphanet 2322, MedGen CN030661, MONDO:0007843, OMIM 147920.
Choanal atresia-athelia-hypothyroidism-delayed puberty-short stature syndrome (BCAHH). Also called: BRANCHIAL ARCH ABNORMALITIES, CHOANAL ATRESIA, ATHELIA, HEARING LOSS, AND HYPOTHYROIDISM SYNDROME. Identifiers: Orphanet 589856, MedGen C5680310, MONDO:0035651, OMIM 620186.
Kabuki syndrome. Also called: Kabuki make-up syndrome; NIIKAWA-KUROKI SYNDROME. Identifiers: Orphanet 2322, MedGen C0796004, MONDO:0016512.
KMT2D-related disorder. Also called: KMT2D-Related Disorders.

Allele frequency attached by ClinVar (database versions not stated): gnomAD exomes 0.00001; ExAC 0.00002; gnomAD 0.00005 and 0.00006; TOPMed 0.00005; ESP Exome Variant Server 0.00016.
gnomAD v4.1: 14 of 1,613,902 alleles (0.00087%); highest among the groups gnomAD compares: African/African-American, 0.016%; no homozygotes.

Submissions (4):

Labcorp Genetics (formerly Invitae), Labcorp
Classification: Benign for Kabuki syndrome. Last evaluated: 2025-11-03. Review status: criteria provided, single submitter. Criteria: Invitae Variant Classification Sherloc (09022015). Collection method: clinical testing. Allele origin: germline.

PreventionGenetics, part of Exact Sciences
Classification: Likely benign for KMT2D-related condition. Last evaluated: 2025-04-23. Review status: criteria provided, single submitter. Criteria: ACMG Guidelines, 2015. Collection method: clinical testing. Allele origin: germline.
Comment: This variant is classified as likely benign based on ACMG/AMP sequence variant interpretation guidelines (Richards et al. 2015 PMID: 25741868, with internal and published modifications).

Fulgent Genetics
Classification: Likely benign for Kabuki syndrome 1; Choanal atresia-athelia-hypothyroidism-delayed puberty-short stature syndrome. Last evaluated: 2024-03-14. Review status: criteria provided, single submitter. Criteria: ACMG Guidelines, 2015. Collection method: clinical testing. Allele origin: germline.

GeneDx
Classification: Likely benign. Last evaluated: 2021-06-04. Review status: criteria provided, single submitter. Criteria: GeneDx Variant Classification Process June 2021. Collection method: clinical testing. Allele origin: germline. Affected: yes.

NM_003482.4(KMT2D):c.3134C>T (p.Pro1045Leu)

Gene: KMT2D (lysine methyltransferase 2D; minus strand). Cytogenetic location: 12q13.12.
Variant type: single nucleotide variant.
Coding change: c.3134C>T on transcript NM_003482.4 (MANE Select); coding-DNA position 3134, C replaced by T.
Protein change: p.Pro1045Leu; replaces proline 1045 with leucine.
Molecular consequence: missense variant.
Genome position (GRCh38, 1-based): chr12:49,050,454, G>A on the plus strand (C>T on the coding strand, the complement: KMT2D is on the minus strand). VCF-style: chr12-49050454-G-A. GRCh37 (hg19) VCF-style: chr12-49444237-G-A.
Other names: short protein forms P1045L.
Identifiers: ClinVar variation 1192133 (VCV001192133.6), dbSNP rs376896214, ClinGen allele CA6548112.